The following is an entry in ClinVar:

NM_024422.6(DSC2):c.1126G>T (p.Val376Phe)

Gene: DSC2 (desmocollin 2; minus strand). Cytogenetic location: 18q12.1.
Variant type: single nucleotide variant.
Coding change: c.1126G>T on transcript NM_024422.6 (MANE Select); coding-DNA position 1126, G replaced by T.
Protein change: p.Val376Phe; replaces valine 376 with phenylalanine.
Molecular consequence: missense variant.
Genome position (GRCh38, 1-based): chr18:31,082,375, C>A on the plus strand (G>T on the coding strand, the complement: DSC2 is on the minus strand). VCF-style: chr18-31082375-C-A. GRCh37 (hg19) VCF-style: chr18-28662341-C-A.
Other names: c.697G>T, p.Val233Phe (NM_001406506.1, NM_001406507.1); c.1126G>T, p.Val376Phe (NM_004949.5); short protein forms V233F, V376F.
Identifiers: ClinVar variation 4772975 (VCV004772975.1).

ClinVar aggregate classification (germline): Uncertain significance (1 of 4 stars; one submission).

Conditions:
Arrhythmogenic right ventricular dysplasia 11. Also called: ARRHYTHMOGENIC RIGHT VENTRICULAR DYSPLASIA, FAMILIAL, 11; Arrhythmogenic Right Ventricular Dysplasia/Cardiomyopathy11; Arrhythmogenic right ventricular dysplasia 11 with mild palmoplantar keratoderma and woolly hair. Identifiers: MedGen C1864850, MONDO:0012506, OMIM 610476.

Submission:

Labcorp Genetics (formerly Invitae), Labcorp
Classification: Uncertain significance for Arrhythmogenic right ventricular dysplasia 11. Last evaluated: 2026-01-19. Review status: criteria provided, single submitter. Criteria: Invitae Variant Classification Sherloc (09022015). Collection method: clinical testing. Allele origin: germline.
Comment: This sequence change replaces valine, which is neutral and non-polar, with phenylalanine, which is neutral and non-polar, at codon 376 of the DSC2 protein (p.Val376Phe). This variant is not present in population databases (gnomAD no frequency). This variant has not been reported in the literature in individuals affected with DSC2-related conditions. Invitae Evidence Modeling of protein sequence and biophysical properties (such as structural, functional, and spatial information, amino acid conservation, physicochemical variation, residue mobility, and thermodynamic stability) indicates that this missense variant is not expected to disrupt DSC2 protein function with a negative predictive value of 80%. In summary, the available evidence is currently insufficient to determine the role of this variant in disease. Therefore, it has been classified as a Variant of Uncertain Significance.